The following is an entry in ClinVar:

ClinVar aggregate classification (germline): Uncertain significance. Review status: criteria provided, multiple submitters, no conflicts (2 of 4 stars). 5 submissions from 5 submitters: Uncertain significance (4). 1 of the submissions does not count toward it. Last evaluated 2024-12-02.

Conditions:
Brugada syndrome 5 (BRGDA5). Identifiers: Orphanet 130, Orphanet 871, MedGen C2748541, MONDO:0013015, OMIM 612838.
Developmental and epileptic encephalopathy, 52 (DEE52). Also called: Epileptic encephalopathy, early infantile, 52. Identifiers: MedGen C4479236, MONDO:0033361, OMIM 617350.
Cardiovascular phenotype. Identifiers: MedGen CN230736.

Allele frequency attached by ClinVar (database versions not stated): gnomAD exomes below 0.00001.
gnomAD v4.1: 2 of 1,613,990 alleles (0.00012%); highest among the groups gnomAD compares: Non-Finnish European, 0.00017%; no homozygotes.

Submissions (5):

Labcorp Genetics (formerly Invitae), Labcorp
Classification: Uncertain significance for Brugada syndrome 5. Last evaluated: 2024-12-02. Review status: criteria provided, single submitter. Criteria: Invitae Variant Classification Sherloc (09022015). Collection method: clinical testing. Allele origin: germline.
Comment: This sequence change replaces arginine, which is basic and polar, with histidine, which is basic and polar, at codon 60 of the SCN1B protein (p.Arg60His). This variant is not present in population databases (gnomAD no frequency). This variant has not been reported in the literature in individuals affected with SCN1B-related conditions. ClinVar contains an entry for this variant (Variation ID: 860826). An algorithm developed to predict the effect of missense changes on protein structure and function (PolyPhen-2) suggests that this variant is likely to be disruptive. In summary, the available evidence is currently insufficient to determine the role of this variant in disease. Therefore, it has been classified as a Variant of Uncertain Significance.

GeneDx
Classification: Uncertain significance. Last evaluated: 2024-03-22. Review status: criteria provided, single submitter. Criteria: GeneDx Variant Classification Process June 2021. Collection method: clinical testing. Allele origin: germline. Affected: yes.
Comment: Not observed at significant frequency in large population cohorts (gnomAD); In silico analysis supports that this missense variant has a deleterious effect on protein structure/function; Has not been previously published as pathogenic or benign to our knowledge

CeGaT Center for Human Genetics Tuebingen
Classification: Uncertain significance. Last evaluated: 2024-03-01. Review status: criteria provided, single submitter. Criteria: CeGaT Center For Human Genetics Tuebingen Variant Classification Criteria Version 2. Collection method: clinical testing. Allele origin: germline. Affected: yes. Observed: 3 variant alleles.
Comment: SCN1B: PM2, PS4:Supporting

Ambry Genetics
Classification: Uncertain significance for Cardiovascular phenotype. Last evaluated: 2023-11-15. Review status: criteria provided, single submitter. Criteria: Ambry Variant Classification Scheme 2023. Collection method: clinical testing. Allele origin: germline.

Hong-Tao Li Lab, Institute of Brain Science and Brain-inspired Research, Shandong First Medical University & Shandong Academy of Medical Sciences China
Classification: Uncertain significance for Developmental and epileptic encephalopathy, 52. Review status: no assertion criteria provided. Collection method: research. Allele origin: germline. Inheritance: Autosomal recessive inheritance. Affected: yes. Observed: 1 variant allele, 1 homozygote. Not counted in ClinVar's aggregate classification.
Comment: Observed in affected individuals from a Pakistani neurodevelopmental-disorder research cohort of 263 individuals. Classification assigned using the ACMG/AMP framework.

NM_001037.5(SCN1B):c.179G>A (p.Arg60His)

Gene: SCN1B (sodium voltage-gated channel beta subunit 1; plus strand). Cytogenetic location: 19q13.11.
Variant type: single nucleotide variant.
Coding change: c.179G>A on transcript NM_001037.5 (MANE Select); coding-DNA position 179, G replaced by A.
Protein change: p.Arg60His; replaces arginine 60 with histidine.
Molecular consequence: missense variant.
Genome position (GRCh38, 1-based): chr19:35,032,666, G>A. VCF-style: chr19-35032666-G-A. GRCh37 (hg19) VCF-style: chr19-35523570-G-A.
Other names: c.179G>A (NM_001037.4); c.80G>A, p.Arg27His (NM_001321605.2); c.179G>A, p.Arg60His (NM_199037.5); short protein forms R27H, R60H.
Identifiers: ClinVar variation 860826 (VCV000860826.44), dbSNP rs2064221894, ClinGen allele CA405328290.